The following is an entry in ClinVar:

ClinVar aggregate classification (germline): Likely benign (1 of 4 stars; one submission).

Allele frequency attached by ClinVar (database versions not stated): 1000 Genomes Project 30x 0.00016; 1000 Genomes Project 0.00020; ESP Exome Variant Server 0.00049; gnomAD exomes 0.00065; ExAC 0.00080; TOPMed 0.00086; gnomAD 0.00088.
gnomAD v4.1: 1,106 of 1,614,182 alleles (0.069%); highest among the groups gnomAD compares: Middle Eastern, 0.35%; 3 homozygotes.

Submission:

CeGaT Center for Human Genetics Tuebingen
Classification: Likely benign. Last evaluated: 2023-01-01. Review status: criteria provided, single submitter. Criteria: CeGaT Center For Human Genetics Tuebingen Variant Classification Criteria Version 2. Collection method: clinical testing. Allele origin: germline. Affected: yes. Observed: 1 variant allele.
Comment: RDH13: BP4, BP7

NM_001145971.2(RDH13):c.621C>T (p.Ile207=)

Gene: RDH13 (retinol dehydrogenase 13; minus strand). Cytogenetic location: 19q13.42.
Variant type: single nucleotide variant.
Coding change: c.621C>T on transcript NM_001145971.2 (MANE Select); coding-DNA position 621, C replaced by T.
Protein change: p.Ile207=; no amino-acid change (isoleucine 207 retained).
Molecular consequence: synonymous variant. On other transcripts: non-coding transcript variant (2).
Genome position (GRCh38, 1-based): chr19:55,048,366, G>A on the plus strand (C>T on the coding strand, the complement: RDH13 is on the minus strand). VCF-style: chr19-55048366-G-A. GRCh37 (hg19) VCF-style: chr19-55559734-G-A.
Other names: c.408C>T, p.Ile136= (NM_138412.4).
Identifiers: ClinVar variation 2650506 (VCV002650506.24), dbSNP rs202206994, ClinGen allele CA310130031.
Genomic context (GRCh38, chr19:55,048,366, plus strand): 5'-GGCCGAGCCTAGCGCCCCCGTACCTTGCAGCCGCCGGCTCAGCTCCTTGGTGAAGAGGAC[G>A]ATGGCGAGCTTGCTCTGGCAGTAGGCGGCTTTGGTGTTATACTTCCTCGTCTGCCAGTTC-3'
Protein context (NP_001139443.1, residues 197-217): KAAYCQSKLA[Ile207=]VLFTKELSRR